The following is an entry in ClinVar:

ClinVar aggregate classification (germline): Conflicting classifications of pathogenicity. Review status: criteria provided, conflicting classifications (1 of 4 stars). 8 submissions from 8 submitters: Uncertain significance (5); Likely benign (2). 1 of the submissions does not count toward it. Last evaluated 2026-01-24.

Conditions:
ABCC2-related disorder. Also called: ABCC2-related condition.
Dubin-Johnson syndrome (DJS). Also called: Jaundice, Chronic Idiopathic; Hyperbilirubinemia type 2; HYPERBILIRUBINEMIA, DUBIN-JOHNSON TYPE. Identifiers: Orphanet 234, MedGen C0022350, MONDO:0009380, OMIM 237500.

Allele frequency attached by ClinVar (database versions not stated): 1000 Genomes Project 30x 0.00016; ESP Exome Variant Server 0.00031; TOPMed 0.00080; gnomAD 0.00051.

Submissions (8):

Labcorp Genetics (formerly Invitae), Labcorp
Classification: Likely benign. Last evaluated: 2026-01-24. Review status: criteria provided, single submitter. Criteria: Invitae Variant Classification Sherloc (09022015). Collection method: clinical testing. Allele origin: germline.

CeGaT Center for Human Genetics Tuebingen
Classification: Likely benign. Last evaluated: 2023-11-01. Review status: criteria provided, single submitter. Criteria: CeGaT Center For Human Genetics Tuebingen Variant Classification Criteria Version 2. Collection method: clinical testing. Allele origin: germline. Affected: yes. Observed: 1 variant allele.
Comment: ABCC2: BP4

Daryl Scott Lab, Baylor College of Medicine
Classification: Uncertain significance for Dubin-Johnson syndrome. Last evaluated: 2022-08-22. Review status: criteria provided, single submitter. Criteria: ACMG Guidelines, 2015. Collection method: clinical testing. Allele origin: maternal. Observed: 1 variant allele, 1 heterozygote.

Mayo Clinic Laboratories, Mayo Clinic
Classification: Uncertain significance. Last evaluated: 2022-05-04. Review status: criteria provided, single submitter. Criteria: ACMG Guidelines, 2015. Collection method: clinical testing. Allele origin: germline. Observed: 1 variant allele.

Eurofins Ntd Llc (ga)
Classification: Uncertain significance. Last evaluated: 2018-06-26. Review status: criteria provided, single submitter. Criteria: EGL ClinVar v180209 classification definitions. Collection method: clinical testing. Allele origin: germline. Observed: 5 variant alleles, 5 heterozygotes.

Illumina Laboratory Services, Illumina
Classification: Uncertain significance for Dubin-Johnson syndrome. Last evaluated: 2017-04-27. Review status: criteria provided, single submitter. Criteria: ICSL Variant Classification Criteria 13 December 2019. Collection method: clinical testing. Allele origin: germline.
Comment: This variant was observed as part of a predisposition screen in an ostensibly healthy population. A literature search was performed for the gene, cDNA change, and amino acid change (where applicable). Publications were found based on this search. However, the evidence from the literature, in combination with allele frequency data from public databases where available, was not sufficient to rule this variant in or out of causing disease. Therefore, this variant is classified as a variant of unknown significance.

Breakthrough Genomics
Classification: Uncertain significance. Review status: criteria provided, single submitter. Criteria: ACMG Guidelines, 2015. Collection method: not provided. Allele origin: germline. Inheritance: Autosomal recessive inheritance. Affected: yes.

PreventionGenetics, part of Exact Sciences
Classification: Likely benign for ABCC2-related condition. Last evaluated: 2022-11-17. Review status: no assertion criteria provided. Collection method: clinical testing. Allele origin: germline. Not counted in ClinVar's aggregate classification.
Comment: This variant is classified as likely benign based on ACMG/AMP sequence variant interpretation guidelines (Richards et al. 2015 PMID: 25741868, with internal and published modifications).

Literature cited by the submitters: PubMed 36135330 (cited by Daryl Scott Lab, Baylor College of Medicine); PubMed 16847695 (cited by Mayo Clinic Laboratories, Mayo Clinic and Illumina Laboratory Services, Illumina); PubMed 18673259 (cited by Mayo Clinic Laboratories, Mayo Clinic and Illumina Laboratory Services, Illumina).

NM_000392.5(ABCC2):c.736A>C (p.Met246Leu)

Gene: ABCC2 (ATP binding cassette subfamily C member 2; plus strand). Cytogenetic location: 10q24.2.
Variant type: single nucleotide variant.
Coding change: c.736A>C on transcript NM_000392.5 (MANE Select); coding-DNA position 736, A replaced by C.
Protein change: p.Met246Leu; replaces methionine 246 with leucine.
Molecular consequence: missense variant.
Genome position (GRCh38, 1-based): chr10:99,797,200, A>C. VCF-style: chr10-99797200-A-C. GRCh37 (hg19) VCF-style: chr10-101556957-A-C.
Other names: p.Met246Leu; c.736A>C, p.Met246Leu (LRG_1208t1); c.736A>C (NM_000392.4); short protein forms M246L.
Identifiers: ClinVar variation 500162 (VCV000500162.40), dbSNP rs17222744, ClinGen allele CA5642984.
Genomic context (GRCh38, chr10:99,797,200, plus strand): 5'-GTCTGGGAAGTTGATGAAGAGATGAAAACCAAGACATTAGTGAGCAAGTTTGAAACGCAC[A>C]TGAAGAGAGAGCTGCAGAAAGCCAGGCGGGCACTCCAGAGACGGCAGGAGAAGAGCTCCC-3'
Protein context (NP_000383.2, residues 236-256): KTLVSKFETH[Met246Leu]KRELQKARRA